The following is an entry in ClinVar:

NM_001382391.1(CSPP1):c.2372_2376del (p.Lys791fs)

Gene: CSPP1 (centrosome and spindle pole associated protein 1; plus strand). Cytogenetic location: 8q13.2.
Variant type: Microsatellite.
Coding change: c.2372_2376del on transcript NM_001382391.1 (MANE Select); coding-DNA positions 2372 to 2376, 5 bases deleted (AAAGA; older notation c.2372_2376delAAAGA).
Protein change: p.Lys791fs; shifts the reading frame from lysine 791.
Molecular consequence: frameshift variant.
Genome position (GRCh38, 1-based): chr8:67,158,577-67,158,581, AAAGA deleted; deleting any 5 consecutive bases within chr8:67,158,570-67,158,581 gives the same sequence; the c. name uses the placement nearest the transcript's 3' end. VCF-style (leftmost placement, unchanged base first): chr8-67158569-GGAAAA-G. GRCh37 (hg19) VCF-style: chr8-68070804-GGAAAA-G.
Other names: c.2177_2181del, p.Lys726fs (NM_001363132.2); c.2096_2100del, p.Lys699fs (NM_001363133.2); c.2352_2356AAAGA[1], p.Lys786Argfs (NM_024790.7); c.1322_1326del, p.Lys441fs (NM_001291339.2); c.2291_2295del, p.Lys764fs (NM_001363131.2); c.2438_2442del, p.Lys813fs (NM_001364869.1); c.2258_2262del, p.Lys753fs (NM_001364870.1); short protein forms K441fs, K726fs, K764fs, K813fs, K786fs, K791fs, K699fs, K753fs.
Identifiers: ClinVar variation 2810114 (VCV002810114.3), dbSNP rs770180877, ClinGen allele CA2687521380.
Genomic context (GRCh38, chr8:67,158,569, plus strand): 5'-AGAAGAAAGACGGCTTGCAGAACAGAGGGCACGAATTCAGCAGGAGTATGAAGAGGAACA[GGAAAA>G]GAAAAGAGAGAAAGAGGAGGAGGTACATCTTTTTTCCCTATTGTATTTTACTACTTAGTC-3'

ClinVar aggregate classification (germline): Pathogenic (1 of 4 stars; one submission).

Conditions:
Joubert syndrome 21 (JBTS21). Identifiers: MedGen C3810212, MONDO:0014288, OMIM 615636.

Submission:

Labcorp Genetics (formerly Invitae), Labcorp
Classification: Pathogenic for Joubert syndrome 21. Last evaluated: 2022-10-27. Review status: criteria provided, single submitter. Criteria: Invitae Variant Classification Sherloc (09022015). Collection method: clinical testing. Allele origin: germline.
Comment: For these reasons, this variant has been classified as Pathogenic. This variant has not been reported in the literature in individuals affected with CSPP1-related conditions. This variant is not present in population databases (gnomAD no frequency). This sequence change creates a premature translational stop signal (p.Lys786Argfs*11) in the CSPP1 gene. It is expected to result in an absent or disrupted protein product. Loss-of-function variants in CSPP1 are known to be pathogenic (PMID: 24360807, 24360808).

Literature cited by the submitters: PubMed 24360807; PubMed 24360808.